The following is an entry in ClinVar:

NM_005422.4(TECTA):c.5225G>A (p.Arg1742His)

Genes: TBCEL-TECTA (TBCEL-TECTA readthrough; plus strand), TECTA (tectorin alpha; plus strand). Cytogenetic location: 11q23.3.
Variant type: single nucleotide variant.
Coding change: c.5225G>A on transcript NM_005422.4 (MANE Select); coding-DNA position 5225, G replaced by A.
Protein change: p.Arg1742His; replaces arginine 1742 with histidine.
Molecular consequence: missense variant.
Genome position (GRCh38, 1-based): chr11:121,162,323, G>A. VCF-style: chr11-121162323-G-A. GRCh37 (hg19) VCF-style: chr11-121033032-G-A.
Other names: c.6167G>A, p.Arg2056His (NM_001378761.1); short protein forms R2056H, R1742H.
Identifiers: ClinVar variation 2590187 (VCV002590187.4), dbSNP rs549133840, ClinGen allele CA6327676.
Genomic context (GRCh38, chr11:121,162,323, plus strand): 5'-GCTACAGCCACAAGAAGTTCCAGCTGTGCGGCTCCCTGGCCGCCTACGGGGAGGCCTGCC[G>A]CTCCTTCGGGATCCTTAGCACCGAGTGGATTGAGAAGGAGAATTGCTGTAAGAGAATTAT-3'
Protein context (NP_005413.2, residues 1732-1752): GSLAAYGEAC[Arg1742His]SFGILSTEWI

ClinVar aggregate classification (germline): Uncertain significance. Review status: criteria provided, multiple submitters, no conflicts (2 of 4 stars). 2 submissions from 2 submitters: Uncertain significance (2). Last evaluated 2025-08-23.

Conditions:
Inborn genetic diseases. Identifiers: MedGen C0950123, MeSH D030342.

Allele frequency attached by ClinVar (database versions not stated): ExAC 0.00005; 1000 Genomes Project 30x 0.00016; 1000 Genomes Project 0.00020; TOPMed 0.00003.
gnomAD v4.1: 58 of 1,613,628 alleles (0.0036%); highest among the groups gnomAD compares: South Asian, 0.046%; 1 homozygote.

Submissions (2):

Ambry Genetics
Classification: Uncertain significance for Inborn genetic diseases. Last evaluated: 2025-08-23. Review status: criteria provided, single submitter. Criteria: Ambry Variant Classification Scheme 2023. Collection method: clinical testing. Allele origin: germline.

GeneDx
Classification: Uncertain significance. Last evaluated: 2023-04-26. Review status: criteria provided, single submitter. Criteria: GeneDx Variant Classification Process June 2021. Collection method: clinical testing. Allele origin: germline. Affected: yes.
Comment: In silico analysis supports that this missense variant does not alter protein structure/function; Has not been previously published as pathogenic or benign to our knowledge